The following is an entry in ClinVar:

ClinVar aggregate classification (germline): Uncertain significance (1 of 4 stars; one submission).

Conditions:
POLD1-related polyposis and colorectal cancer syndrome (CRCS10). Also called: Colorectal cancer, susceptibility to, 10; Colorectal cancer 10; COLORECTAL CANCER, SUSCEPTIBILITY TO, ON CHROMOSOME 19q. Identifiers: Orphanet 220460, MedGen C2675481, MONDO:0012953, OMIM 612591.

Submission:

Labcorp Genetics (formerly Invitae), Labcorp
Classification: Uncertain significance for POLD1-related polyposis and colorectal cancer syndrome. Last evaluated: 2021-06-26. Review status: criteria provided, single submitter. Criteria: Invitae Variant Classification Sherloc (09022015). Collection method: clinical testing. Allele origin: germline.
Comment: In summary, the available evidence is currently insufficient to determine the role of this variant in disease. Therefore, it has been classified as a Variant of Uncertain Significance. This sequence change replaces proline with glutamine at codon 117 of the POLD1 protein (p.Pro117Gln). The proline residue is weakly conserved and there is a moderate physicochemical difference between proline and glutamine. This variant is not present in population databases (ExAC no frequency). This variant has not been reported in the literature in individuals with POLD1-related conditions. Algorithms developed to predict the effect of missense changes on protein structure and function (SIFT, PolyPhen-2, Align-GVGD) all suggest that this variant is likely to be tolerated, but these predictions have not been confirmed by published functional studies and their clinical significance is uncertain.

NM_002691.4(POLD1):c.350C>A (p.Pro117Gln)

Gene: POLD1 (DNA polymerase delta 1, catalytic subunit; plus strand). Cytogenetic location: 19q13.33.
Variant type: single nucleotide variant.
Coding change: c.350C>A on transcript NM_002691.4 (MANE Select); coding-DNA position 350, C replaced by A.
Protein change: p.Pro117Gln; replaces proline 117 with glutamine.
Molecular consequence: missense variant. On other transcripts: non-coding transcript variant (1).
Genome position (GRCh38, 1-based): chr19:50,401,811, C>A. VCF-style: chr19-50401811-C-A. GRCh37 (hg19) VCF-style: chr19-50905068-C-A.
Other names: c.350C>A, p.Pro117Gln (NM_001256849.1, NM_001308632.1); short protein forms P117Q.
Identifiers: ClinVar variation 1413780 (VCV001413780.8), dbSNP rs2122232591, ClinGen allele CA406972202.